The following is an entry in ClinVar:

NM_080491.3(GAB2):c.1658+8C>T

Genes: GAB2 (GRB2 associated binding protein 2; minus strand), USP35 (ubiquitin specific peptidase 35; plus strand). Cytogenetic location: 11q14.1.
Variant type: single nucleotide variant.
Coding change: c.1658+8C>T on transcript NM_080491.3 (MANE Select); 8 bases into the intron after coding-DNA position 1658, C replaced by T.
Molecular consequence: intron variant.
Genome position (GRCh38, 1-based): chr11:78,222,097, G>A on the plus strand (C>T on the coding strand, the complement: GAB2 is on the minus strand). VCF-style: chr11-78222097-G-A. GRCh37 (hg19) VCF-style: chr11-77933143-G-A.
Other names: c.1544+8C>T (NM_012296.4).
Identifiers: ClinVar variation 722439 (VCV000722439.27), dbSNP rs201950264, ClinGen allele CA6204953.

ClinVar aggregate classification (germline): Benign/Likely benign. Review status: criteria provided, multiple submitters, no conflicts (2 of 4 stars). 2 submissions from 2 submitters: Benign (1); Likely benign (1). Last evaluated 2022-12-01.

Allele frequency attached by ClinVar (database versions not stated): 1000 Genomes Project 0.00060; 1000 Genomes Project 30x 0.00062; ExAC 0.00116; TOPMed 0.00118; gnomAD exomes 0.00126; gnomAD 0.00141 and 0.00145; ESP Exome Variant Server 0.00162.
gnomAD v4.1: 1,974 of 1,577,812 alleles (0.13%); highest among the groups gnomAD compares: Non-Finnish European, 0.14%; 7 homozygotes.

Submissions (2):

CeGaT Center for Human Genetics Tuebingen
Classification: Likely benign. Last evaluated: 2022-12-01. Review status: criteria provided, single submitter. Criteria: CeGaT Center For Human Genetics Tuebingen Variant Classification Criteria Version 2. Collection method: clinical testing. Allele origin: germline. Affected: yes. Observed: 1 variant allele.
Comment: GAB2: BP4

Labcorp Genetics (formerly Invitae), Labcorp
Classification: Benign. Last evaluated: 2018-06-26. Review status: criteria provided, single submitter. Criteria: Invitae Variant Classification Sherloc (09022015). Collection method: clinical testing. Allele origin: germline.